The following is an entry in ClinVar:

ClinVar aggregate classification (germline): Uncertain significance. Review status: criteria provided, multiple submitters, no conflicts (2 of 4 stars). 2 submissions from 2 submitters: Uncertain significance (2). Last evaluated 2025-06-10.

Conditions:
Inborn genetic diseases. Identifiers: MedGen C0950123, MeSH D030342.

gnomAD v4.1: 6 of 1,612,270 alleles (0.00037%); highest among the groups gnomAD compares: Non-Finnish European, 0.00051%; no homozygotes.

Submissions (2):

Ambry Genetics
Classification: Uncertain significance for Inborn genetic diseases. Last evaluated: 2025-06-10. Review status: criteria provided, single submitter. Criteria: Ambry Variant Classification Scheme 2023. Collection method: clinical testing. Allele origin: germline.

Labcorp Genetics (formerly Invitae), Labcorp
Classification: Uncertain significance. Last evaluated: 2024-11-21. Review status: criteria provided, single submitter. Criteria: Invitae Variant Classification Sherloc (09022015). Collection method: clinical testing. Allele origin: germline.
Comment: This sequence change replaces aspartic acid, which is acidic and polar, with glycine, which is neutral and non-polar, at codon 695 of the AP3D1 protein (p.Asp695Gly). This variant is not present in population databases (gnomAD no frequency). This variant has not been reported in the literature in individuals affected with AP3D1-related conditions. An algorithm developed to predict the effect of missense changes on protein structure and function outputs the following: PolyPhen-2: "Benign". The glycine amino acid residue is found in multiple mammalian species, which suggests that this missense change does not adversely affect protein function. In summary, the available evidence is currently insufficient to determine the role of this variant in disease. Therefore, it has been classified as a Variant of Uncertain Significance.

NM_001261826.3(AP3D1):c.2084A>G (p.Asp695Gly)

Gene: AP3D1 (adaptor related protein complex 3 subunit delta 1; minus strand). Cytogenetic location: 19p13.3.
Variant type: single nucleotide variant.
Coding change: c.2084A>G on transcript NM_001261826.3 (MANE Select); coding-DNA position 2084, A replaced by G.
Protein change: p.Asp695Gly; replaces aspartic acid 695 with glycine.
Molecular consequence: missense variant.
Genome position (GRCh38, 1-based): chr19:2,115,603, T>C on the plus strand (A>G on the coding strand, the complement: AP3D1 is on the minus strand). VCF-style: chr19-2115603-T-C. GRCh37 (hg19) VCF-style: chr19-2115602-T-C.
Other names: c.2084A>G, p.Asp695Gly (NM_001374799.1, NM_003938.8); c.2084A>G (NM_003938.5); short protein forms D695G.
Identifiers: ClinVar variation 3685169 (VCV003685169.3).
Genomic context (GRCh38, chr19:2,115,603, plus strand): 5'-ACCTTCAAGGGGACGGAGAGGTCAATCTGCACCACGGGAATGTGCTCCACGCCCGGGGTG[T>C]CCTGGTACCGCTGCAAAGGCAACACCCAGGCGTTACCGGTGCACCGAGGGGTGACACACG-3'
Protein context (NP_001248755.1, residues 685-705): SSPSPQKRYQ[Asp695Gly]TPGVEHIPVV